The following is an entry in ClinVar:

NM_001267550.2(TTN):c.104638G>A (p.Glu34880Lys)

Genes: TTN (titin; minus strand), TTN-AS1 (TTN antisense RNA 1; plus strand). Cytogenetic location: 2q31.2.
Variant type: single nucleotide variant.
Coding change: c.104638G>A on transcript NM_001267550.2 (MANE Select); coding-DNA position 104638, G replaced by A.
Protein change: p.Glu34880Lys; replaces glutamic acid 34880 with lysine.
Molecular consequence: missense variant.
Genome position (GRCh38, 1-based): chr2:178,531,977, C>T on the plus strand (G>A on the coding strand, the complement: TTN is on the minus strand). VCF-style: chr2-178531977-C-T. GRCh37 (hg19) VCF-style: chr2-179396704-C-T.
Other names: c.99715G>A, p.Glu33239Lys (NM_001256850.1); c.77443G>A, p.Glu25815Lys (NM_003319.4); c.96934G>A, p.Glu32312Lys (NM_133378.4); c.77818G>A, p.Glu25940Lys (NM_133432.3); c.78019G>A, p.Glu26007Lys (NM_133437.4); short protein forms E25940K, E34880K, E25815K, E26007K, E32312K, E33239K.
Identifiers: ClinVar variation 1395414 (VCV001395414.6), dbSNP rs1404462483, ClinGen allele CA349411242.
Genomic context (GRCh38, chr2:178,531,977, plus strand): 5'-CAAATCTCGAGAGTGATCTCTCACTAGACACAGGGCTGGGGGATCGTGGGCGAGTTCTCT[C>T]TGGAGTAGGTGACCTTCTTTCTGTGTCATCTTCGTATTCCTCAGCCGGTTGTGGACGTGA-3'
Protein context (NP_001254479.2, residues 34870-34890): DDTERRSPTP[Glu34880Lys]RTRPRSPSPV

ClinVar aggregate classification (germline): Uncertain significance (1 of 4 stars; one submission).

Conditions:
Dilated cardiomyopathy 1G (CMD1G). Identifiers: Orphanet 154, MedGen C1858763, MONDO:0011400, OMIM 604145.
Autosomal recessive limb-girdle muscular dystrophy type 2J (LGMDR10). Also called: Limb-girdle muscular dystrophy, type 2J; MUSCULAR DYSTROPHY, LIMB-GIRDLE, AUTOSOMAL RECESSIVE 10. Identifiers: Orphanet 140922, MedGen C1837342, MONDO:0012127, OMIM 608807.

gnomAD v4.1: 1 of 1,613,748 alleles (0.000062%); highest among the groups gnomAD compares: Non-Finnish European, 0.000085%; no homozygotes.

Submission:

Labcorp Genetics (formerly Invitae), Labcorp
Classification: Uncertain significance for Dilated cardiomyopathy 1G; Autosomal recessive limb-girdle muscular dystrophy type 2J. Last evaluated: 2025-05-06. Review status: criteria provided, single submitter. Criteria: Invitae Variant Classification Sherloc (09022015). Collection method: clinical testing. Allele origin: germline.
Comment: This sequence change replaces glutamic acid, which is acidic and polar, with lysine, which is basic and polar, at codon 34880 of the TTN protein (p.Glu34880Lys). This variant is not present in population databases (gnomAD no frequency). This variant has not been reported in the literature in individuals affected with TTN-related conditions. ClinVar contains an entry for this variant (Variation ID: 1395414). Experimental studies and prediction algorithms are not available or were not evaluated, and the functional significance of this variant is currently unknown. This variant is located in the M band of TTN (PMID: 25589632). Non-truncating variants in this region may be relevant for neuromuscular disorders, but have not been definitively shown to cause cardiomyopathy (PMID: 23975875). In summary, the available evidence is currently insufficient to determine the role of this variant in disease. Therefore, it has been classified as a Variant of Uncertain Significance.

Literature cited by the submitters: PubMed 25589632; PubMed 23975875.